The following is an entry in ClinVar:

ClinVar aggregate classification (germline): Uncertain significance. Review status: criteria provided, single submitter (1 of 4 stars). 2 submissions from 2 submitters: Uncertain significance (1). 1 of the submissions does not count toward it. Last evaluated 2025-04-04.

Allele frequency attached by ClinVar (database versions not stated): gnomAD exomes 0.00001; 1000 Genomes Project 0.00020; 1000 Genomes Project 30x 0.00031; TOPMed 0.00007; gnomAD 0.00006 and 0.00007; ExAC 0.00002; ESP Exome Variant Server 0.00008.
gnomAD v4.1: 21 of 1,614,168 alleles (0.0013%); highest among the groups gnomAD compares: African/African-American, 0.024%; no homozygotes.

Submissions (2):

Dasa
Classification: Uncertain significance. Last evaluated: 2025-04-04. Review status: criteria provided, single submitter. Criteria: DASA Assertion Criteria. Collection method: clinical testing. Allele origin: germline.
Comment: NM_000123.4(ERCC5):c.3449A>G (p.Asp1150Gly) is a missense variant that results in the substitution of aspartic acid with glycine. This variant is rare in population databases. Computational prediction algorithms are consistent with a benign effect. The currently available literature and clinical evidence are not sufficient to establish a definitive association between this variant and the reported condition. Therefore, this variant is classified as a variant of uncertain significance.

ITMI
No classification provided. Condition: AllHighlyPenetrant. Last evaluated: 2013-09-19. Review status: no classification provided. Collection method: reference population. Allele origin: germline. Not counted in ClinVar's aggregate classification.
Comment: Please see associated publication for description of ethnicities

Literature cited by the submitters: PubMed 24728327 (cited by ITMI).

NM_000123.4(ERCC5):c.3449A>G (p.Asp1150Gly)

Genes: BIVM-ERCC5 (BIVM-ERCC5 readthrough; plus strand), ERCC5 (ERCC excision repair 5, endonuclease; plus strand). Cytogenetic location: 13q33.1.
Variant type: single nucleotide variant.
Coding change: c.3449A>G on transcript NM_000123.4 (MANE Select); coding-DNA position 3449, A replaced by G.
Protein change: p.Asp1150Gly; replaces aspartic acid 1150 with glycine.
Molecular consequence: missense variant.
Genome position (GRCh38, 1-based): chr13:102,875,791, A>G. VCF-style: chr13-102875791-A-G. GRCh37 (hg19) VCF-style: chr13-103528141-A-G.
Other names: c.4811A>G, p.Asp1604Gly (NM_001204425.2); short protein forms D1150G, D1604G.
Identifiers: ClinVar variation 134168 (VCV000134168.3), dbSNP rs149597229, ClinGen allele CA158974.
Genomic context (GRCh38, chr13:102,875,791, plus strand): 5'-AGAACTCAGTGAAGGAAGCTCCCGTGAAGAATGGAGGTGCGACCACCAGCAGCTCTAGTG[A>G]TAGTGATGACGATGGAGGGAAAGAGAAGATGGTCCTCGTGACCGCCAGATCTGTGTTTGG-3'
Protein context (NP_000114.3, residues 1140-1160): NGGATTSSSS[Asp1150Gly]SDDDGGKEKM